The following is an entry in ClinVar:

ClinVar aggregate classification (germline): Uncertain significance (1 of 4 stars; one submission).

gnomAD v4.1: 1 of 1,397,576 alleles (0.000072%); highest among the groups gnomAD compares: Non-Finnish European, 0.000092%; no homozygotes.

Submission:

Labcorp Genetics (formerly Invitae), Labcorp
Classification: Uncertain significance. Last evaluated: 2022-01-28. Review status: criteria provided, single submitter. Criteria: Invitae Variant Classification Sherloc (09022015). Collection method: clinical testing. Allele origin: germline.
Comment: This variant has not been reported in the literature in individuals affected with DMRT2-related conditions. This sequence change replaces arginine, which is basic and polar, with glycine, which is neutral and non-polar, at codon 115 of the DMRT2 protein (p.Arg115Gly). This variant is not present in population databases (gnomAD no frequency). Algorithms developed to predict the effect of missense changes on protein structure and function are either unavailable or do not agree on the potential impact of this missense change (SIFT: "Deleterious"; PolyPhen-2: "Possibly Damaging"; Align-GVGD: "Class C0"). In summary, the available evidence is currently insufficient to determine the role of this variant in disease. Therefore, it has been classified as a Variant of Uncertain Significance.

NM_181872.6(DMRT2):c.343C>G (p.Arg115Gly)

Gene: DMRT2 (doublesex and mab-3 related transcription factor 2; plus strand). Cytogenetic location: 9p24.3.
Variant type: single nucleotide variant.
Coding change: c.343C>G on transcript NM_181872.6 (MANE Select); coding-DNA position 343, C replaced by G.
Protein change: p.Arg115Gly; replaces arginine 115 with glycine.
Molecular consequence: missense variant. On other transcripts: 5 prime UTR variant (1), non-coding transcript variant (1).
Genome position (GRCh38, 1-based): chr9:1,051,956, C>G. VCF-style: chr9-1051956-C-G. GRCh37 (hg19) VCF-style: chr9-1051956-C-G.
Other names: c.343C>G, p.Arg115Gly (NM_001130865.3, NM_001370531.1, NM_001370533.1 and 4 more transcripts); c.-308C>G (NM_001370532.1); short protein forms R115G.
Identifiers: ClinVar variation 2090404 (VCV002090404.4), dbSNP rs990052236, ClinGen allele CA187867378.